The following is an entry in ClinVar:

NM_001035.3(RYR2):c.4000T>G (p.Leu1334Val)

Genes: RYR2 (ryanodine receptor 2; plus strand), LOC126806067 (BRD4-independent group 4 enhancer GRCh37_chr1:237753258-237754457; plus strand). Cytogenetic location: 1q43.
Variant type: single nucleotide variant.
Coding change: c.4000T>G on transcript NM_001035.3 (MANE Select); coding-DNA position 4000, T replaced by G.
Protein change: p.Leu1334Val; replaces leucine 1334 with valine.
Molecular consequence: missense variant.
Genome position (GRCh38, 1-based): chr1:237,590,832, T>G. VCF-style: chr1-237590832-T-G. GRCh37 (hg19) VCF-style: chr1-237754132-T-G.
Other names: short protein forms L1334V.
Identifiers: ClinVar variation 1736934 (VCV001736934.6), dbSNP rs2546615665, ClinGen allele CA345397519.

ClinVar aggregate classification (germline): Uncertain significance. Review status: criteria provided, multiple submitters, no conflicts (2 of 4 stars). 3 submissions from 3 submitters: Uncertain significance (3). Last evaluated 2025-09-18.

Conditions:
Cardiovascular phenotype. Identifiers: MedGen CN230736.
Cardiomyopathy (CMYO). Also called: Cardiomyopathies. Identifiers: Orphanet 167848, MedGen C0878544, MONDO:0004994, HP:0001638. Inheritance: Various modes of inheritance.
Catecholaminergic polymorphic ventricular tachycardia 1. Also called: VENTRICULAR TACHYCARDIA, CATECHOLAMINERGIC POLYMORPHIC, 1, WITH OR WITHOUT ATRIAL DYSFUNCTION AND/OR DILATED CARDIOMYOPATHY; VENTRICULAR TACHYCARDIA, STRESS-INDUCED POLYMORPHIC 1; RYR2-Related Catecholaminergic Polymorphic Ventricular Tachycardia. Identifiers: Orphanet 3286, MedGen C1631597, MONDO:0011484, OMIM 604772.

Submissions (3):

Color Diagnostics, LLC DBA Color Health
Classification: Uncertain significance for Cardiomyopathy. Last evaluated: 2025-09-18. Review status: criteria provided, single submitter. Criteria: ACMG Guidelines, 2015. Collection method: clinical testing. Allele origin: germline.
Comment: This missense variant replaces leucine with valine at codon 1334 of the RYR2 protein. Computational prediction suggests that this variant may not impact protein structure and function. To our knowledge, functional studies have not been reported for this variant. This variant has not been reported in individuals affected with RYR2-related disorders in the literature. This variant has not been identified in the general population by the Genome Aggregation Database (gnomAD). The available evidence is insufficient to determine the role of this variant in disease conclusively. Therefore, this variant is classified as a Variant of Uncertain Significance.

Labcorp Genetics (formerly Invitae), Labcorp
Classification: Uncertain significance for Catecholaminergic polymorphic ventricular tachycardia 1. Last evaluated: 2023-11-14. Review status: criteria provided, single submitter. Criteria: Invitae Variant Classification Sherloc (09022015). Collection method: clinical testing. Allele origin: germline.
Comment: This sequence change replaces leucine, which is neutral and non-polar, with valine, which is neutral and non-polar, at codon 1334 of the RYR2 protein (p.Leu1334Val). This variant is not present in population databases (gnomAD no frequency). This variant has not been reported in the literature in individuals affected with RYR2-related conditions. ClinVar contains an entry for this variant (Variation ID: 1736934). Advanced modeling of protein sequence and biophysical properties (such as structural, functional, and spatial information, amino acid conservation, physicochemical variation, residue mobility, and thermodynamic stability) performed at Invitae indicates that this missense variant is not expected to disrupt RYR2 protein function with a negative predictive value of 95%. In summary, the available evidence is currently insufficient to determine the role of this variant in disease. Therefore, it has been classified as a Variant of Uncertain Significance.

Ambry Genetics
Classification: Uncertain significance for Cardiovascular phenotype. Last evaluated: 2018-08-07. Review status: criteria provided, single submitter. Criteria: Ambry Variant Classification Scheme 2023. Collection method: clinical testing. Allele origin: germline.
Comment: The p.L1334V variant (also known as c.4000T>G), located in coding exon 31 of the RYR2 gene, results from a T to G substitution at nucleotide position 4000. The leucine at codon 1334 is replaced by valine, an amino acid with highly similar properties. This amino acid position is not well conserved in available vertebrate species, and valine is the reference amino acid in other vertebrate species. In addition, this alteration is predicted to be tolerated by in silico analysis. Since supporting evidence is limited at this time, the clinical significance of this alteration remains unclear.